The following is an entry in ClinVar:

ClinVar aggregate classification (germline): Uncertain significance (1 of 4 stars; one submission).

Conditions:
Inborn genetic diseases. Identifiers: MedGen C0950123, MeSH D030342.

Submission:

Ambry Genetics
Classification: Uncertain significance for Inborn genetic diseases. Last evaluated: 2026-08-04. Review status: criteria provided, single submitter. Criteria: Ambry Variant Classification Scheme 2023. Collection method: clinical testing. Allele origin: germline.
Comment: The p.T231S variant (also known as c.691A>T), located in coding exon 1 of the SAMD9 gene, results from an A to T substitution at nucleotide position 691. The threonine at codon 231 is replaced by serine, an amino acid with similar properties. This amino acid position is conserved. In addition, this alteration is predicted to be tolerated by in silico analysis. Based on the available evidence, the clinical significance of this variant remains unclear.

NM_017654.4(SAMD9):c.691A>T (p.Thr231Ser)

Gene: SAMD9 (sterile alpha motif domain containing 9; minus strand). Cytogenetic location: 7q21.2.
Variant type: single nucleotide variant.
Coding change: c.691A>T on transcript NM_017654.4 (MANE Select); coding-DNA position 691, A replaced by T.
Protein change: p.Thr231Ser; replaces threonine 231 with serine.
Molecular consequence: missense variant.
Genome position (GRCh38, 1-based): chr7:93,105,407, T>A on the plus strand (A>T on the coding strand, the complement: SAMD9 is on the minus strand). VCF-style: chr7-93105407-T-A. GRCh37 (hg19) VCF-style: chr7-92734720-T-A.
Other names: c.691A>T, p.Thr231Ser (NM_001193307.2); short protein forms T231S.
Identifiers: ClinVar variation 5028780 (VCV005028780.1).
Genomic context (GRCh38, chr7:93,105,407, plus strand): 5'-TGATGCCAACAATTTTCCCATGGGGTTTGTCTTTGACTCCAAAATGAATAGTGCCATTGG[T>A]ACGTGAATTCATACAAGCTGAAGCAAATCGGAAAACCTCATTGCTAAATTTCATCTTGAC-3'
Protein context (NP_060124.2, residues 221-241): RFASACMNSR[Thr231Ser]NGTIHFGVKD